The following is an entry in ClinVar:

ClinVar aggregate classification (germline): Pathogenic (1 of 4 stars; one submission).

Submission:

Labcorp Genetics (formerly Invitae), Labcorp
Classification: Pathogenic. Last evaluated: 2024-05-27. Review status: criteria provided, single submitter. Criteria: Invitae Variant Classification Sherloc (09022015). Collection method: clinical testing. Allele origin: germline.
Comment: This sequence change creates a premature translational stop signal (p.Trp1027*) in the DMXL2 gene. It is expected to result in an absent or disrupted protein product. Loss-of-function variants in DMXL2 are known to be pathogenic (PMID: 30237576, 31688942). This variant is not present in population databases (gnomAD no frequency). This variant has not been reported in the literature in individuals affected with DMXL2-related conditions. For these reasons, this variant has been classified as Pathogenic.

Literature cited by the submitters: PubMed 30237576; PubMed 31688942.

NM_001378457.1(DMXL2):c.3080G>A (p.Trp1027Ter)

Gene: DMXL2 (Dmx like 2; minus strand). Cytogenetic location: 15q21.2.
Variant type: single nucleotide variant.
Coding change: c.3080G>A on transcript NM_001378457.1 (MANE Select); coding-DNA position 3080, G replaced by A.
Protein change: p.Trp1027Ter; replaces tryptophan 1027 with a stop codon.
Molecular consequence: nonsense. On other transcripts: non-coding transcript variant (2), intron variant (2).
Genome position (GRCh38, 1-based): chr15:51,500,144, C>T on the plus strand (G>A on the coding strand, the complement: DMXL2 is on the minus strand). VCF-style: chr15-51500144-C-T. GRCh37 (hg19) VCF-style: chr15-51792341-C-T.
Other names: c.3080G>A, p.Trp1027Ter (NM_001174116.3, NM_001378458.1, NM_001378459.1 and 4 more transcripts); c.2840G>A, p.Trp947Ter (NM_001378464.1); c.2764+6990G>A (NM_001378460.1); c.2765-5010G>A (NM_001174117.3); short protein forms W947*, W1027*.
Identifiers: ClinVar variation 3654774 (VCV003654774.2).
Genomic context (GRCh38, chr15:51,500,144, plus strand): 5'-TGATAAATTTCTTTCTCATCACTTTTATTACACTCTGGGTTGGCTTCCATACAACATTTC[C>T]AGAAGCGTACTTTATTGTCAGAACAAGTTGTAACCACTAAATAAGGTGCAAGGCACACTG-3'